The following is an entry in ClinVar:

ClinVar aggregate classification (germline): Likely benign. Review status: criteria provided, multiple submitters, no conflicts (2 of 4 stars). 3 submissions from 3 submitters: Likely benign (3). Last evaluated 2026-08-26.

Conditions:
RHO-related disorder. Also called: RHO-related condition.

gnomAD v4.1: 37 of 1,614,122 alleles (0.0023%); highest among the groups gnomAD compares: Non-Finnish European, 0.0025%; no homozygotes.

Submissions (3):

PreventionGenetics, part of Exact Sciences
Classification: Likely benign for RHO-related condition. Last evaluated: 2026-08-26. Review status: criteria provided, single submitter. Criteria: ACMG Guidelines, 2015. Collection method: clinical testing. Allele origin: germline.
Comment: This variant is classified as likely benign based on ACMG/AMP sequence variant interpretation guidelines (Richards et al. 2015 PMID: 25741868, with internal and published modifications).

Labcorp Genetics (formerly Invitae), Labcorp
Classification: Likely benign. Last evaluated: 2025-08-26. Review status: criteria provided, single submitter. Criteria: Invitae Variant Classification Sherloc (09022015). Collection method: clinical testing. Allele origin: germline.

Blueprint Genetics
Classification: Likely benign. Last evaluated: 2024-08-11. Review status: criteria provided, single submitter. Criteria: ACMG Guidelines, 2015. Collection method: clinical testing. Allele origin: germline.

NM_000539.3(RHO):c.240C>T (p.Ala80=)

Gene: RHO (rhodopsin; plus strand). Cytogenetic location: 3q22.1.
Variant type: single nucleotide variant.
Coding change: c.240C>T on transcript NM_000539.3 (MANE Select); coding-DNA position 240, C replaced by T.
Protein change: p.Ala80=; no amino-acid change (alanine 80 retained).
Molecular consequence: synonymous variant.
Genome position (GRCh38, 1-based): chr3:129,528,973, C>T. VCF-style: chr3-129528973-C-T. GRCh37 (hg19) VCF-style: chr3-129247816-C-T.
Identifiers: ClinVar variation 1563146 (VCV001563146.10), dbSNP rs770941561, ClinGen allele CA82646936.